The following is an entry in ClinVar:

ClinVar aggregate classification (germline): Likely benign. Review status: criteria provided, multiple submitters, no conflicts (2 of 4 stars). 2 submissions from 2 submitters: Likely benign (2). Last evaluated 2024-09-02.

Allele frequency attached by ClinVar (database versions not stated): TOPMed 0.00002; ExAC 0.00003; gnomAD 0.00003; gnomAD exomes 0.00003.
gnomAD v4.1: 70 of 1,579,772 alleles (0.0044%); highest among the groups gnomAD compares: Middle Eastern, 0.037%; no homozygotes.

Submissions (2):

Blueprint Genetics
Classification: Likely benign. Last evaluated: 2024-09-02. Review status: criteria provided, single submitter. Criteria: ACMG Guidelines, 2015. Collection method: clinical testing. Allele origin: germline.

Laboratory for Molecular Medicine, Mass General Brigham Personalized Medicine
Classification: Likely benign. Last evaluated: 2016-05-05. Review status: criteria provided, single submitter. Criteria: LMM Criteria. Collection method: clinical testing. Allele origin: germline. Observed: 1 variant allele.
Comment: p.Asp229Asp in exon 5 of DFNA5: This variant is not expected to have clinical s ignificance because it does not alter an amino acid residue, it is not located w ithin the splice consensus sequence, and it is not predicted to impact splicing. It has been identified in 2/66626 European chromosomes and in in 2/11570 Latin o chromosomes by the Exome Aggregation Consortium (ExAC; dbSNP rs371054976).

NM_001127453.2(GSDME):c.687C>T (p.Asp229=)

Gene: GSDME (gasdermin E; minus strand). Cytogenetic location: 7p15.3.
Variant type: single nucleotide variant.
Coding change: c.687C>T on transcript NM_001127453.2 (MANE Select); coding-DNA position 687, C replaced by T.
Protein change: p.Asp229=; no amino-acid change (aspartic acid 229 retained).
Molecular consequence: synonymous variant.
Genome position (GRCh38, 1-based): chr7:24,717,264, G>A on the plus strand (C>T on the coding strand, the complement: GSDME is on the minus strand). VCF-style: chr7-24717264-G-A. GRCh37 (hg19) VCF-style: chr7-24756883-G-A.
Other names: c.195C>T, p.Asp65= (NM_001127454.2); c.687C>T, p.Asp229= (NM_004403.3).
Identifiers: ClinVar variation 504976 (VCV000504976.5), dbSNP rs371054976, ClinGen allele CA4191650.